The following is an entry in ClinVar:

NM_138409.4(MRAP2):c.152T>A (p.Val51Asp)

Gene: MRAP2 (melanocortin 2 receptor accessory protein 2; plus strand). Cytogenetic location: 6q14.2.
Variant type: single nucleotide variant.
Coding change: c.152T>A on transcript NM_138409.4 (MANE Select); coding-DNA position 152, T replaced by A.
Protein change: p.Val51Asp; replaces valine 51 with aspartic acid.
Molecular consequence: missense variant. On other transcripts: 5 prime UTR variant (1), intron variant (1).
Genome position (GRCh38, 1-based): chr6:84,062,917, T>A. VCF-style: chr6-84062917-T-A. GRCh37 (hg19) VCF-style: chr6-84772636-T-A.
Other names: c.152T>A, p.Val51Asp (NM_001346542.2, NM_001346544.2); c.-108T>A (NM_001346543.2); c.-32+7472T>A (NM_001346541.2); short protein forms V51D.
Identifiers: ClinVar variation 3045456 (VCV003045456.3), dbSNP rs374186031, ClinGen allele CA141976719.

ClinVar aggregate classification (germline): Uncertain significance (1 of 4 stars; one submission).

Conditions:
MRAP2-related disorder. Also called: MRAP2-related condition.

Allele frequency attached by ClinVar (database versions not stated): gnomAD 0.00001; ESP Exome Variant Server 0.00008.
gnomAD v4.1: 2 of 1,614,096 alleles (0.00012%); highest among the groups gnomAD compares: African/African-American, 0.0013%; no homozygotes.

Submission:

PreventionGenetics, part of Exact Sciences
Classification: Uncertain significance for MRAP2-related condition. Last evaluated: 2025-05-12. Review status: criteria provided, single submitter. Criteria: ACMG Guidelines, 2015. Collection method: clinical testing. Allele origin: germline.
Comment: The MRAP2 c.152T>A variant is predicted to result in the amino acid substitution p.Val51Asp. To our knowledge, this variant has not been reported in the literature. This variant is reported in 0.011% of alleles in individuals of African descent in gnomAD. This variant could be benign. At this time, the clinical significance of this variant is uncertain due to the absence of conclusive functional and genetic evidence.